The following is an entry in ClinVar:

ClinVar aggregate classification (germline): Uncertain significance (1 of 4 stars; one submission).

Conditions:
Cardiovascular phenotype. Identifiers: MedGen CN230736.

Allele frequency attached by ClinVar (database versions not stated): gnomAD exomes below 0.00001.
gnomAD v4.1: 2 of 1,543,238 alleles (0.00013%); highest among the groups gnomAD compares: Non-Finnish European, 0.00017%; no homozygotes.

Submission:

Ambry Genetics
Classification: Uncertain significance for Cardiovascular phenotype. Last evaluated: 2023-02-03. Review status: criteria provided, single submitter. Criteria: Ambry Variant Classification Scheme 2023. Collection method: clinical testing. Allele origin: germline.
Comment: The p.I1048V variant (also known as c.3142A>G), located in coding exon 6 of the TNXB gene, results from an A to G substitution at nucleotide position 3142. The isoleucine at codon 1048 is replaced by valine, an amino acid with highly similar properties. This amino acid position is conserved. In addition, this alteration is predicted to be tolerated by in silico analysis. Since supporting evidence is limited at this time, the clinical significance of this alteration remains unclear.

NM_001365276.2(TNXB):c.3142A>G (p.Ile1048Val)

Gene: TNXB (tenascin XB; minus strand). Cytogenetic location: 6p21.33.
Variant type: single nucleotide variant.
Coding change: c.3142A>G on transcript NM_001365276.2 (MANE Select); coding-DNA position 3142, A replaced by G.
Protein change: p.Ile1048Val; replaces isoleucine 1048 with valine.
Molecular consequence: missense variant.
Genome position (GRCh38, 1-based): chr6:32,085,756, T>C on the plus strand (A>G on the coding strand, the complement: TNXB is on the minus strand). VCF-style: chr6-32085756-T-C. GRCh37 (hg19) VCF-style: chr6-32053533-T-C.
Other names: c.3142A>G, p.Ile1048Val (NM_019105.8); short protein forms I1048V.
Identifiers: ClinVar variation 2451172 (VCV002451172.2), dbSNP rs2483700342, ClinGen allele CA363446506.